The following is an entry in ClinVar:

ClinVar aggregate classification (germline): Pathogenic. Review status: reviewed by expert panel (3 of 4 stars). 8 submissions from 8 submitters: Pathogenic (1). 7 of the submissions do not count toward it. Last evaluated 2022-04-08.

Conditions:
HNF1A-related disorder. Also called: HNF1A-related condition.
Monogenic diabetes. Identifiers: Orphanet 183625, MedGen C3888631, MONDO:0015967.
Maturity-onset diabetes of the young (MODY). Also called: Maturity onset diabetes mellitus in young. Identifiers: Orphanet 552, MedGen C0342276, MONDO:0018911, HP:0004904.
Maturity-onset diabetes of the young type 3. Also called: MODY type 3; MODY, type III. Identifiers: Orphanet 552, MedGen C1838100, MeSH C563933, MONDO:0010894, OMIM 600496. Disease mechanism: loss of function.

Allele frequency attached by ClinVar (database versions not stated): gnomAD exomes below 0.00001 and 0.00001.
gnomAD v4.1: 3 of 1,614,188 alleles (0.00019%); highest among the groups gnomAD compares: Admixed American, 0.0017%; no homozygotes.

Submissions (8):

ClinGen Monogenic Diabetes Variant Curation Expert Panel
Classification: Pathogenic for Monogenic diabetes. Last evaluated: 2022-04-08. Review status: reviewed by expert panel. Criteria: ClinGen Diabetes ACMG Specifications v1 1. Collection method: curation. Allele origin: germline. Inheritance: Autosomal dominant inheritance.
Comment: The c.335C>T variant in the HNF1 homeobox A gene, HNF1A, causes an amino acid change of proline to leucine at codon 112 (p.(Pro112Leu)) of NM_000545.8. This variant is predicted to be deleterious by computational evidence, with a REVEL score of 0.966, which is greater than the MDEP VCEP threshold of 0.70 (PP3) and is absent from gnomAD v2.1.1 (PM2_Supporting). Additionally, this variant is located within a conserved region of the DNA binding domain (codons 107-174 and 201-280) of HNF1A, which is defined as critical for the protein’s function by the ClinGen MDEP (PM1_Supporting). This variant was identified in six unrelated individuals with non- autoimmune and non-absolute/near-absolute insulin-deficient diabetes (PS4_Moderate; internal lab contributors). This variant was identified in two individuals with a clinical history highly specific for HNF1A-MODY (MODY probability calculator result >50%, negative genetic testing for HNF4A, and response to low dose sulfonylureas) (PP4_Moderate; internal lab contributors). A luciferase assay meeting the ClinGen MDEP quality control specifications demonstrated that the p.Pro112Leu protein has transactivation activity below 40% of wildtype, indicating that this variant impacts protein function (PS3_Moderate, PMID: 32910913). Lastly, this variant segregated with diabetes, with 11 informative meioses in six families with MODY (PP1_Strong; internal lab contributors). In summary, c.335C>T meets the criteria to be classified as pathogenic for monogenic diabetes. ACMG/AMP criteria applied, as specified by the ClinGen MDEP (specification version 1.1, approved 9/30/21): PP3, PM1_Supporting, PM2_Supporting, PP4_Moderate, PS4_Moderate,PS3_Moderate, PP1_Strong.

PreventionGenetics, part of Exact Sciences
Classification: Pathogenic for HNF1A-related condition. Last evaluated: 2025-07-09. Review status: criteria provided, single submitter. Criteria: ACMG Guidelines, 2015. Collection method: clinical testing. Allele origin: germline. Not counted in ClinVar's aggregate classification.
Comment: The HNF1A c.335C>T variant is predicted to result in the amino acid substitution p.Pro112Leu. This variant has been reported in 5.7% of individuals with mature onset diabetes of the young (MODY) in the Norwegian registry (Kind et al. 2022. PubMed ID: 35257744) and has been reported in individuals with MODY from various other ethnicities (Xu et al. 2002. PubMed ID: 12107757; Bjørkhaug et al. 2003. PubMed ID: 12574234; Ma et al. 2020. PubMed ID: 32238361). The variant is located in the highly conserved DNA-binding domain which is a hotspot for pathogenic variants (Bjørkhaug et al. 2003. PubMed ID: 12574234; Supplemental Table 3, Althari et al. 2020. PubMed ID: 32910913) and the variant's significant reduction of transcriptional activity is used frequently to compare other HNF1A variants to wildtype (Bjørkhaug et al. 2000. PubMed ID: 11162430; SIGMA Type 2 Diabetes Consortium et al. 2014. PubMed ID: 24915262; Thuesen et al. 2023. PubMed ID: 36649380). This variant is reported in 0.00088% of alleles in individuals of European (non-Finnish) descent in gnomAD and has been classified as pathogenic by the monogenic diabetes variant curation expert group in ClinVar (ClinVar ID: 14942). This variant is interpreted as pathogenic for autosomal dominant MODY.

Women's Health and Genetics/Laboratory Corporation of America, LabCorp
Classification: Pathogenic for Maturity-onset diabetes of the young. Last evaluated: 2025-02-19. Review status: criteria provided, single submitter. Criteria: LabCorp Variant Classification Summary - May 2015. Collection method: clinical testing. Allele origin: germline. Not counted in ClinVar's aggregate classification.
Comment: Variant summary: HNF1A c.335C>T (p.Pro112Leu) results in a non-conservative amino acid change in the encoded protein sequence. Five of five in-silico tools predict a damaging effect of the variant on protein function. The variant allele was found at a frequency of 4e-06 in 251342 control chromosomes. c.335C>T has been reported in the literature in multiple individuals affected with clinical features of maturity-onset diabetes of the young (MODY) (examples: Bjorkhaug_2000, Hameed_2011, Xu_2005). These data indicate that the variant is very likely to be associated with disease. The following publications have been ascertained in the context of this evaluation (PMID: 11162430, 15657605, 21518407). ClinVar contains an entry for this variant (Variation ID: 14942). Based on the evidence outlined above, the variant was classified as pathogenic.

Labcorp Genetics (formerly Invitae), Labcorp
Classification: Pathogenic. Last evaluated: 2023-11-13. Review status: criteria provided, single submitter. Criteria: Invitae Variant Classification Sherloc (09022015). Collection method: clinical testing. Allele origin: germline. Not counted in ClinVar's aggregate classification.
Comment: This sequence change replaces proline, which is neutral and non-polar, with leucine, which is neutral and non-polar, at codon 112 of the HNF1A protein (p.Pro112Leu). This variant is present in population databases (rs137853243, gnomAD 0.0009%). This missense change has been observed in individuals with clinical features of maturity-onset diabetes of the young (MODY) (PMID: 11162430, 21518407). It has also been observed to segregate with disease in related individuals. ClinVar contains an entry for this variant (Variation ID: 14942). Advanced modeling of protein sequence and biophysical properties (such as structural, functional, and spatial information, amino acid conservation, physicochemical variation, residue mobility, and thermodynamic stability) performed at Invitae indicates that this missense variant is not expected to disrupt HNF1A protein function with a negative predictive value of 80%. Experimental studies have shown that this missense change affects HNF1A function (PMID: 11162430, 27899486, 35472491). For these reasons, this variant has been classified as Pathogenic.

GeneDx
Classification: Pathogenic. Last evaluated: 2022-01-04. Review status: criteria provided, single submitter. Criteria: GeneDx Variant Classification Process June 2021. Collection method: clinical testing. Allele origin: germline. Affected: yes. Not counted in ClinVar's aggregate classification.
Comment: Published functional studies demonstrate impaired DNA binding and significantly reduced transcriptional activity (Bjrkhaug et al., 2000; Xu et al., 2002; Najmi et al., 2016); Not observed at significant frequency in large population cohorts (gnomAD); In silico analysis supports that this missense variant has a deleterious effect on protein structure/function; This variant is associated with the following publications: (PMID: 17989309, 12107757, 12574234, 15657605, 27899486, 26431509, 24915262, 18003757, 12453420, 11162430, 21518407, 32910913)

Victorian Clinical Genetics Services, Murdoch Childrens Research Institute
Classification: Pathogenic for Maturity-onset diabetes of the young type 3. Last evaluated: 2021-05-06. Review status: criteria provided, single submitter. Criteria: ACMG Guidelines, 2015. Collection method: clinical testing. Allele origin: germline. Inheritance: Autosomal dominant inheritance. Not counted in ClinVar's aggregate classification.
Comment: Based on the classification scheme VCGS_Germline_v1.3.4, this variant is classified as Pathogenic. Following criteria are met: 0102 - Loss of function is a known mechanism of disease in this gene and is associated with type III maturity-onset diabetes of the young (MODY type III; MIM#600496). (I) 0107 - This gene is associated with autosomal dominant disease. (I) 0200 - Variant is predicted to result in a missense amino acid change from proline to leucine. (I) 0251 - This variant is heterozygous. (I) 0302 - Variant is present in gnomAD (v2) <0.001 for a dominant condition (1 heterozygote, 0 homozygotes). (SP) 0501 - Missense variant consistently predicted to be damaging by multiple in silico tools or highly conserved with a major amino acid change. (SP) 0600 - Variant is located in the annotated DNA-binding domain (PMID: 32910913). (I) 0801 - This variant has strong previous evidence of pathogenicity in unrelated individuals. It has been reported in multiple families with MODY (ClinVar, PMIDs: 11162430, 12107757, 21518407, 32238361). (SP) 1001 - This variant has strong functional evidence supporting abnormal protein function. Studies performed by multiple laboratories have shown that it reduced protein expression, transcriptional activity, DNA binding and also resulted in impaired subcellular localisation (PMID: 32910913). (I) Legend: (SP) - Supporting pathogenic, (I) - Information, (SB) - Supporting benign

Athena Diagnostics
Classification: Pathogenic. Last evaluated: 2016-12-07. Review status: criteria provided, single submitter. Criteria: Athena Diagnostics Criteria. Collection method: clinical testing. Allele origin: germline. Not counted in ClinVar's aggregate classification.

OMIM
Classification: Pathogenic for MATURITY-ONSET DIABETES OF THE YOUNG, TYPE 3. Last evaluated: 2003-02-01. Review status: no assertion criteria provided. Collection method: literature only. Allele origin: germline. Not counted in ClinVar's aggregate classification.

Literature cited by the submitters: PubMed 15657605 (cited by Women's Health and Genetics/Laboratory Corporation of America, LabCorp and Athena Diagnostics); PubMed 11162430 (cited by 5 submitters); PubMed 21518407 (cited by 4 submitters); PubMed 27899486 (cited by Labcorp Genetics (formerly Invitae), Labcorp); PubMed 35472491 (cited by Labcorp Genetics (formerly Invitae), Labcorp); PubMed 12107757 (cited by 3 submitters); PubMed 32238361 (cited by Victorian Clinical Genetics Services, Murdoch Childrens Research Institute); PubMed 32910913 (cited by Victorian Clinical Genetics Services, Murdoch Childrens Research Institute); PubMed 18003757 (cited by Athena Diagnostics); PubMed 24915262 (cited by Athena Diagnostics); PubMed 26431509 (cited by Athena Diagnostics); PubMed 12574234 (cited by Athena Diagnostics and OMIM); PubMed 17989309 (cited by Athena Diagnostics).

NM_000545.8(HNF1A):c.335C>T (p.Pro112Leu)

Gene: HNF1A (HNF1 homeobox A; plus strand). Cytogenetic location: 12q24.31.
Variant type: single nucleotide variant.
Coding change: c.335C>T on transcript NM_000545.8 (MANE Select); coding-DNA position 335, C replaced by T.
Protein change: p.Pro112Leu; replaces proline 112 with leucine.
Molecular consequence: missense variant.
Genome position (GRCh38, 1-based): chr12:120,988,841, C>T. VCF-style: chr12-120988841-C-T. GRCh37 (hg19) VCF-style: chr12-121426644-C-T.
Other names: NM_000545.8(HNF1A):c.335C>T; p.Pro112Leu; c.335C>T, p.Pro112Leu (NM_001306179.2); c.335C>T (NM_000545.6); short protein forms P112L.
Identifiers: ClinVar variation 14942 (VCV000014942.13), dbSNP rs137853243, ClinGen allele CA124475.